The following is an entry in ClinVar:

NM_000540.3(RYR1):c.2489G>A (p.Arg830Gln)

Gene: RYR1 (ryanodine receptor 1; plus strand). Cytogenetic location: 19q13.2.
Variant type: single nucleotide variant.
Coding change: c.2489G>A on transcript NM_000540.3 (MANE Select); coding-DNA position 2489, G replaced by A.
Protein change: p.Arg830Gln; replaces arginine 830 with glutamine.
Molecular consequence: missense variant.
Genome position (GRCh38, 1-based): chr19:38,460,503, G>A. VCF-style: chr19-38460503-G-A. GRCh37 (hg19) VCF-style: chr19-38951143-G-A.
Other names: c.2489G>A, p.Arg830Gln (NM_001042723.2); short protein forms R830Q.
Identifiers: ClinVar variation 590500 (VCV000590500.8), dbSNP rs777191617, ClinGen allele CA063328.

ClinVar aggregate classification (germline): Uncertain significance. Review status: criteria provided, multiple submitters, no conflicts (2 of 4 stars). 4 submissions from 4 submitters: Uncertain significance (4). Last evaluated 2025-03-23.

Conditions:
RYR1-related disorder. Also called: RYR1-related disorders; RYR1-related condition. Identifiers: MedGen CN239331.
Malignant hyperthermia, susceptibility to, 1 (MHS1). Also called: Anesthesia related hyperthermia; Malignant hyperpyrexia; Fulminating hyperpyrexia; Pharmacogenic myopathy; RYR1-Related Malignant Hyperthermia Susceptibility; Malignant hyperthermia suceptibility 1. Identifiers: Orphanet 423, MedGen C2930980, MONDO:0007783, OMIM 145600.
Congenital multicore myopathy with external ophthalmoplegia (CMYO1B). Also called: MULTIMINICORE DISEASE WITH EXTERNAL OPHTHALMOPLEGIA; Congenital myopathy 1B, autosomal recessive; Minicore myopathy; Minicore myopathy with external ophthalmoplegia; MULTICORE MYOPATHY. Identifiers: Orphanet 598, Orphanet 98905, MedGen C1850674, MONDO:0009712, OMIM 255320, HP:0003789.
Congenital myopathy with fiber type disproportion. Also called: Congenital fiber-type disproportion myopathy; Congenital fiber-type disproportion. Identifiers: Orphanet 2020, MedGen C0546264, MONDO:0009711. Inheritance: all.
Central core myopathy (CMYO1A). Also called: CONGENITAL MYOPATHY 1A, AUTOSOMAL DOMINANT, WITH SUSCEPTIBILITY TO MALIGNANT HYPERTHERMIA; Central core disease; Myopathy, central fibrillar. Identifiers: Orphanet 597, MedGen C5830701, MONDO:0007294, OMIM 117000.
King Denborough syndrome (KDS). Identifiers: MedGen C1840365, MONDO:0020485, OMIM 619542.

Allele frequency attached by ClinVar (database versions not stated): ExAC 0.00002; gnomAD exomes 0.00002; gnomAD 0.00003.
gnomAD v4.1: 27 of 1,614,174 alleles (0.0017%); highest among the groups gnomAD compares: Non-Finnish European, 0.0021%; no homozygotes.

Submissions (4):

Labcorp Genetics (formerly Invitae), Labcorp
Classification: Uncertain significance for RYR1-related disorder. Last evaluated: 2025-03-23. Review status: criteria provided, single submitter. Criteria: Invitae Variant Classification Sherloc (09022015). Collection method: clinical testing. Allele origin: germline.
Comment: This sequence change replaces arginine, which is basic and polar, with glutamine, which is neutral and polar, at codon 830 of the RYR1 protein (p.Arg830Gln). This variant is present in population databases (rs777191617, gnomAD 0.005%). This missense change has been observed in individual(s) with RYR1-related condition (PMID: 32236737). ClinVar contains an entry for this variant (Variation ID: 590500). Invitae Evidence Modeling of protein sequence and biophysical properties (such as structural, functional, and spatial information, amino acid conservation, physicochemical variation, residue mobility, and thermodynamic stability) indicates that this missense variant is not expected to disrupt RYR1 protein function with a negative predictive value of 95%. In summary, the available evidence is currently insufficient to determine the role of this variant in disease. Therefore, it has been classified as a Variant of Uncertain Significance.

Color Diagnostics, LLC DBA Color Health
Classification: Uncertain significance for Malignant hyperthermia, susceptibility to, 1. Last evaluated: 2024-03-28. Review status: criteria provided, single submitter. Criteria: ACMG Guidelines, 2015. Collection method: clinical testing. Allele origin: germline.
Comment: This missense variant replaces arginine with glutamine at codon 830 of the RYR1 protein. Computational prediction suggests that this variant may not impact protein structure and function. To our knowledge, functional studies have not been reported for this variant. This variant has not been reported in individuals affected with RYR1-related disorders in the literature. This variant has been identified in 7/282700 chromosomes in the general population by the Genome Aggregation Database (gnomAD). The available evidence is insufficient to determine the role of this variant in disease conclusively. Therefore, this variant is classified as a Variant of Uncertain Significance.

Fulgent Genetics
Classification: Uncertain significance for Central core myopathy; Malignant hyperthermia, susceptibility to, 1; Congenital myopathy 4A, autosomal dominant; Congenital multicore myopathy with external ophthalmoplegia; King Denborough syndrome. Last evaluated: 2021-09-09. Review status: criteria provided, single submitter. Criteria: ACMG Guidelines, 2015. Collection method: clinical testing. Allele origin: unknown.

PreventionGenetics, part of Exact Sciences
Classification: Uncertain significance. Last evaluated: 2016-03-09. Review status: criteria provided, single submitter. Criteria: ACMG Guidelines, 2015. Collection method: clinical testing. Allele origin: germline.

Literature cited by the submitters: PubMed 32236737 (cited by Labcorp Genetics (formerly Invitae), Labcorp).